The following is an entry in ClinVar:

NM_000465.4(BARD1):c.1479A>T (p.Gln493His)

Gene: BARD1 (BRCA1 associated RING domain 1; minus strand). Cytogenetic location: 2q35.
Variant type: single nucleotide variant.
Coding change: c.1479A>T on transcript NM_000465.4 (MANE Select); coding-DNA position 1479, A replaced by T.
Protein change: p.Gln493His; replaces glutamine 493 with histidine.
Molecular consequence: missense variant. On other transcripts: non-coding transcript variant (3), intron variant (3).
Genome position (GRCh38, 1-based): chr2:214,767,571, T>A on the plus strand (A>T on the coding strand, the complement: BARD1 is on the minus strand). VCF-style: chr2-214767571-T-A. GRCh37 (hg19) VCF-style: chr2-215632295-T-A.
Other names: c.1422A>T, p.Gln474His (NM_001282543.2); c.159-15016A>T (NM_001282548.2); c.216-15016A>T (NM_001282545.2); c.364+24726A>T (NM_001282549.2); short protein forms Q474H, Q493H.
Identifiers: ClinVar variation 652855 (VCV000652855.15), dbSNP rs375029767, ClinGen allele CA64779981.

ClinVar aggregate classification (germline): Uncertain significance. Review status: criteria provided, multiple submitters, no conflicts (2 of 4 stars). 4 submissions from 4 submitters: Uncertain significance (4). Last evaluated 2024-08-11.

Conditions:
Hereditary cancer-predisposing syndrome. Also called: Neoplastic Syndromes, Hereditary; Tumor predisposition; Hereditary Cancer Syndrome; Hereditary neoplastic syndrome. Identifiers: Orphanet 140162, MedGen C0027672, MeSH D009386, MONDO:0015356.
Familial cancer of breast. Also called: hereditary breast carcinoma; BREAST CANCER, FAMILIAL; Hereditary breast cancer. Identifiers: Orphanet 227535, MedGen C0346153, MONDO:0016419, OMIM 114480. Disease mechanism: loss of function.

Allele frequency attached by ClinVar (database versions not stated): TOPMed 0.00001.

Submissions (4):

Labcorp Genetics (formerly Invitae), Labcorp
Classification: Uncertain significance for Familial cancer of breast. Last evaluated: 2024-08-11. Review status: criteria provided, single submitter. Criteria: Invitae Variant Classification Sherloc (09022015). Collection method: clinical testing. Allele origin: germline.
Comment: This sequence change replaces glutamine, which is neutral and polar, with histidine, which is basic and polar, at codon 493 of the BARD1 protein (p.Gln493His). This variant is not present in population databases (gnomAD no frequency). This variant has not been reported in the literature in individuals affected with BARD1-related conditions. ClinVar contains an entry for this variant (Variation ID: 652855). An algorithm developed to predict the effect of missense changes on protein structure and function (PolyPhen-2) suggests that this variant is likely to be tolerated. In summary, the available evidence is currently insufficient to determine the role of this variant in disease. Therefore, it has been classified as a Variant of Uncertain Significance.

Ambry Genetics
Classification: Uncertain significance for Hereditary cancer-predisposing syndrome. Last evaluated: 2024-06-10. Review status: criteria provided, single submitter. Criteria: Ambry Variant Classification Scheme 2023. Collection method: clinical testing. Allele origin: germline.
Comment: The p.Q493H variant (also known as c.1479A>T), located in coding exon 6 of the BARD1 gene, results from an A to T substitution at nucleotide position 1479. The glutamine at codon 493 is replaced by histidine, an amino acid with highly similar properties. This amino acid position is well conserved in available vertebrate species. In addition, this alteration is predicted to be tolerated by in silico analysis. Since supporting evidence is limited at this time, the clinical significance of this alteration remains unclear.

Baylor Genetics
Classification: Uncertain significance for Familial cancer of breast. Last evaluated: 2024-01-19. Review status: criteria provided, single submitter. Criteria: ACMG Guidelines, 2015. Collection method: clinical testing. Allele origin: unknown.

GeneDx
Classification: Uncertain significance. Last evaluated: 2022-06-29. Review status: criteria provided, single submitter. Criteria: GeneDx Variant Classification Process June 2021. Collection method: clinical testing. Allele origin: germline. Affected: yes.
Comment: Not observed at significant frequency in large population cohorts (gnomAD); In silico analysis supports that this missense variant does not alter protein structure/function; Has not been previously published as pathogenic or benign to our knowledge; This variant is associated with the following publications: (PMID: 18480049)